The following is an entry in ClinVar:

ClinVar aggregate classification (germline): Uncertain significance (1 of 4 stars; one submission).

Submission:

Labcorp Genetics (formerly Invitae), Labcorp
Classification: Uncertain significance. Last evaluated: 2021-06-06. Review status: criteria provided, single submitter. Criteria: Invitae Variant Classification Sherloc (09022015). Collection method: clinical testing. Allele origin: germline.
Comment: This sequence change replaces leucine with arginine at codon 49 of the DHX38 protein (p.Leu49Arg). The leucine residue is highly conserved and there is a moderate physicochemical difference between leucine and arginine. This variant is not present in population databases (ExAC no frequency). This variant has not been reported in the literature in individuals with DHX38-related conditions. Algorithms developed to predict the effect of missense changes on protein structure and function are either unavailable or do not agree on the potential impact of this missense change (SIFT: "Deleterious"; PolyPhen-2: "Possibly Damaging"; Align-GVGD: "Class C0"). In summary, the available evidence is currently insufficient to determine the role of this variant in disease. Therefore, it has been classified as a Variant of Uncertain Significance.

NM_014003.4(DHX38):c.146T>G (p.Leu49Arg)

Gene: DHX38 (DEAH-box helicase 38; plus strand). Cytogenetic location: 16q22.2.
Variant type: single nucleotide variant.
Coding change: c.146T>G on transcript NM_014003.4 (MANE Select); coding-DNA position 146, T replaced by G.
Protein change: p.Leu49Arg; replaces leucine 49 with arginine.
Molecular consequence: missense variant.
Genome position (GRCh38, 1-based): chr16:72,096,303, T>G. VCF-style: chr16-72096303-T-G. GRCh37 (hg19) VCF-style: chr16-72130202-T-G.
Other names: short protein forms L49R.
Identifiers: ClinVar variation 1358092 (VCV001358092.8), dbSNP rs2144129154, ClinGen allele CA396699508.
Genomic context (GRCh38, chr16:72,096,303, plus strand): 5'-CCAAAAGTGCGGCCAGCGAGCAGCATGTCTTCAAGGCTCCTGCTCCCCGCCCTTCATTAC[T>G]CGGACTGGACTTGCTGGCTTCCCTGAAACGGAGAGAGCGAGAGGAGAAGGACGATGGGGA-3'
Protein context (NP_054722.2, residues 39-59): FKAPAPRPSL[Leu49Arg]GLDLLASLKR